The following is an entry in ClinVar:

NM_000173.7(GP1BA):c.321C>G (p.Ser107Arg)

Gene: GP1BA (glycoprotein Ib platelet subunit alpha; plus strand). Cytogenetic location: 17p13.2.
Variant type: single nucleotide variant.
Coding change: c.321C>G on transcript NM_000173.7 (MANE Select); coding-DNA position 321, C replaced by G.
Protein change: p.Ser107Arg; replaces serine 107 with arginine.
Molecular consequence: missense variant.
Genome position (GRCh38, 1-based): chr17:4,932,925, C>G. VCF-style: chr17-4932925-C-G. GRCh37 (hg19) VCF-style: chr17-4836220-C-G.
Other names: p.Ser107Arg; short protein forms S107R.
Identifiers: ClinVar variation 3346586 (VCV003346586.2).

ClinVar aggregate classification (germline): Uncertain significance. Review status: criteria provided, single submitter (1 of 4 stars). 2 submissions from 2 submitters: Uncertain significance (1). 1 of the submissions does not count toward it. Last evaluated 2024-06-03.

Conditions:
GP1BA-related disorder. Also called: GP1BA-related condition.

gnomAD v4.1: 6 of 1,613,800 alleles (0.00037%); highest among the groups gnomAD compares: Non-Finnish European, 0.00051%; no homozygotes.

Submissions (2):

Mayo Clinic Laboratories, Mayo Clinic
Classification: Uncertain significance. Last evaluated: 2024-06-03. Review status: criteria provided, single submitter. Criteria: ACMG Guidelines, 2015. Collection method: clinical testing. Allele origin: germline. Observed: 1 variant allele.
Comment: BP4, PM1_supporting, PM2

PreventionGenetics, part of Exact Sciences
Classification: Uncertain significance for GP1BA-related condition. Last evaluated: 2024-06-11. Review status: no assertion criteria provided. Collection method: clinical testing. Allele origin: germline. Not counted in ClinVar's aggregate classification.
Comment: The GP1BA c.321C>G variant is predicted to result in the amino acid substitution p.Ser107Arg. To our knowledge, this variant has not been reported in the literature. This variant is reported in 0.0031% of alleles in individuals of European (Non-Finnish) descent in gnomAD. At this time, the clinical significance of this variant is uncertain due to the absence of conclusive functional and genetic evidence.